The following is an entry in ClinVar:

ClinVar aggregate classification (germline): Uncertain significance (1 of 4 stars; one submission).

Conditions:
PIEZO1-related disorder. Also called: PIEZO1-related condition; PIEZO1-Related Disorders.

Submission:

PreventionGenetics, part of Exact Sciences
Classification: Uncertain significance for PIEZO1-related condition. Last evaluated: 2025-08-27. Review status: criteria provided, single submitter. Criteria: ACMG Guidelines, 2015. Collection method: clinical testing. Allele origin: germline.
Comment: The PIEZO1 c.5204T>C variant is predicted to result in the amino acid substitution p.Val1735Ala. To our knowledge, this variant has not been reported in the literature or in a large population database (gnomAD), indicating this variant is rare. At this time, the clinical significance of this variant is uncertain due to the absence of conclusive functional and genetic evidence.

NM_001142864.4(PIEZO1):c.5204T>C (p.Val1735Ala)

Gene: PIEZO1 (piezo type mechanosensitive ion channel component 1 (Er blood group); minus strand). Cytogenetic location: 16q24.3.
Variant type: single nucleotide variant.
Coding change: c.5204T>C on transcript NM_001142864.4 (MANE Select); coding-DNA position 5204, T replaced by C.
Protein change: p.Val1735Ala; replaces valine 1735 with alanine.
Molecular consequence: missense variant.
Genome position (GRCh38, 1-based): chr16:88,721,818, A>G on the plus strand (T>C on the coding strand, the complement: PIEZO1 is on the minus strand). VCF-style: chr16-88721818-A-G. GRCh37 (hg19) VCF-style: chr16-88788226-A-G.
Other names: short protein forms V1735A.
Identifiers: ClinVar variation 4996538 (VCV004996538.1).